The following is an entry in ClinVar:

ClinVar aggregate classification (germline): Pathogenic/Likely pathogenic. Review status: criteria provided, multiple submitters, no conflicts (2 of 4 stars). 2 submissions from 2 submitters: Pathogenic (1); Likely pathogenic (1). Last evaluated 2021-11-08.

Conditions:
Rare genetic deafness. Identifiers: Orphanet 96210, MedGen C5680250.

Allele frequency attached by ClinVar (database versions not stated): gnomAD exomes below 0.00001.
gnomAD v4.1: 6 of 1,613,250 alleles (0.00037%); highest among the groups gnomAD compares: South Asian, 0.0011%; no homozygotes.

Submissions (2):

Labcorp Genetics (formerly Invitae), Labcorp
Classification: Likely pathogenic. Last evaluated: 2021-11-08. Review status: criteria provided, single submitter. Criteria: Invitae Variant Classification Sherloc (09022015). Collection method: clinical testing. Allele origin: germline.
Comment: This variant has not been reported in the literature in individuals affected with MYO7A-related conditions. In summary, the currently available evidence indicates that the variant is pathogenic, but additional data are needed to prove that conclusively. Therefore, this variant has been classified as Likely Pathogenic. Algorithms developed to predict the effect of sequence changes on RNA splicing suggest that this variant may disrupt the consensus splice site. ClinVar contains an entry for this variant (Variation ID: 43171). This variant is present in population databases (rs111033404, gnomAD 0.003%). This sequence change affects a donor splice site in intron 17 of the MYO7A gene. It is expected to disrupt RNA splicing. Variants that disrupt the donor or acceptor splice site typically lead to a loss of protein function (PMID: 16199547), and loss-of-function variants in MYO7A are known to be pathogenic (PMID: 8900236, 25404053).

Laboratory for Molecular Medicine, Mass General Brigham Personalized Medicine
Classification: Pathogenic for Rare genetic deafness. Last evaluated: 2010-12-23. Review status: criteria provided, single submitter. Criteria: LMM Criteria. Collection method: clinical testing. Allele origin: germline. Observed: 1 variant allele.
Comment: The 2094+1G>A variant in MYO7A has not been reported in the literature nor previ ously identified by our laboratory. The 2094+1G>A variant is predicted to cause abnormal splicing because the nucleotide substitution occurs in the invariant re gion of the splice consensus sequence. In summary, this variant meets our criter ia to be classified as pathogenic.

Literature cited by the submitters: PubMed 16199547 (cited by Labcorp Genetics (formerly Invitae), Labcorp); PubMed 8900236 (cited by Labcorp Genetics (formerly Invitae), Labcorp); PubMed 25404053 (cited by Labcorp Genetics (formerly Invitae), Labcorp).

NM_000260.4(MYO7A):c.2094+1G>A

Gene: MYO7A (myosin VIIA; plus strand). Cytogenetic location: 11q13.5.
Variant type: single nucleotide variant.
Coding change: c.2094+1G>A on transcript NM_000260.4 (MANE Select); the canonical splice donor site of the intron after coding-DNA position 2094, G replaced by A.
Molecular consequence: splice donor variant.
Genome position (GRCh38, 1-based): chr11:77,174,915, G>A. VCF-style: chr11-77174915-G-A. GRCh37 (hg19) VCF-style: chr11-76885961-G-A.
Other names: c.2061+1G>A (NM_001369365.1); c.2094+1G>A (NM_001127180.2).
Identifiers: ClinVar variation 43171 (VCV000043171.11), dbSNP rs111033404, ClinGen allele CA278642.
Genomic context (GRCh38, chr11:77,174,915, plus strand): 5'-GTAGAGTTTGTGGAGCGGTACCGTGTGCTGCTGCCAGGTGTGAAGCCGGCCTACAAGCAG[G>A]TACAGGGCTGAGTGCACAGAGGGCAGGAGGGGAGGGTCCCAGCTTTGGCTGGGCAAGGGT-3'